The following is an entry in ClinVar:

NM_198129.4(LAMA3):c.4584+14G>A

Gene: LAMA3 (laminin subunit alpha 3; plus strand). Cytogenetic location: 18q11.2.
Variant type: single nucleotide variant.
Coding change: c.4584+14G>A on transcript NM_198129.4 (MANE Select); 14 bases into the intron after coding-DNA position 4584, G replaced by A.
Molecular consequence: intron variant.
Genome position (GRCh38, 1-based): chr18:23,861,821, G>A. VCF-style: chr18-23861821-G-A. GRCh37 (hg19) VCF-style: chr18-21441785-G-A.
Other names: c.4584+14G>A (NM_001127717.4).
Identifiers: ClinVar variation 3041237 (VCV003041237.3), dbSNP rs139328523, ClinGen allele CA8915648.

ClinVar aggregate classification (germline): Likely benign. Review status: criteria provided, single submitter (1 of 4 stars). 2 submissions from 2 submitters: Likely benign (1). 1 of the submissions does not count toward it. Last evaluated 2024-11-21.

Conditions:
LAMA3-related disorder. Also called: LAMA3-related condition; LAMA3-related disorders.

Allele frequency attached by ClinVar (database versions not stated): TOPMed 0.00099; 1000 Genomes Project 0.00120; 1000 Genomes Project 30x 0.00125; ESP Exome Variant Server 0.00162; gnomAD exomes 0.00234; gnomAD 0.00257; ExAC 0.00297.
gnomAD v4.1: 3,794 of 1,608,192 alleles (0.24%); highest among the groups gnomAD compares: Non-Finnish European, 0.19%; 17 homozygotes.

Submissions (2):

Blueprint Genetics
Classification: Likely benign. Last evaluated: 2024-11-21. Review status: criteria provided, single submitter. Criteria: ACMG Guidelines, 2015. Collection method: clinical testing. Allele origin: germline.

PreventionGenetics, part of Exact Sciences
Classification: Benign for LAMA3-related condition. Last evaluated: 2024-07-31. Review status: no assertion criteria provided. Collection method: clinical testing. Allele origin: germline. Not counted in ClinVar's aggregate classification.
Comment: This variant is classified as benign based on ACMG/AMP sequence variant interpretation guidelines (Richards et al. 2015 PMID: 25741868, with internal and published modifications).